The following is an entry in ClinVar:

ClinVar aggregate classification (germline): Uncertain significance (1 of 4 stars; one submission).

Conditions:
Hereditary cancer-predisposing syndrome. Also called: Neoplastic Syndromes, Hereditary; Tumor predisposition; Hereditary Cancer Syndrome; Hereditary neoplastic syndrome. Identifiers: Orphanet 140162, MedGen C0027672, MeSH D009386, MONDO:0015356.

Submission:

Ambry Genetics
Classification: Uncertain significance for Hereditary cancer-predisposing syndrome. Last evaluated: 2025-12-20. Review status: criteria provided, single submitter. Criteria: Ambry Variant Classification Scheme 2023. Collection method: clinical testing. Allele origin: germline.
Comment: The p.I455K variant (also known as c.1364T>A), located in coding exon 10 of the POT1 gene, results from a T to A substitution at nucleotide position 1364. The isoleucine at codon 455 is replaced by lysine, an amino acid with dissimilar properties. This amino acid position is conserved. In addition, this alteration is predicted to be deleterious by in silico analysis. Based on the available evidence, the clinical significance of this variant remains unclear.

NM_015450.3(POT1):c.1364T>A (p.Ile455Lys)

Gene: POT1 (protection of telomeres 1; minus strand). Cytogenetic location: 7q31.33.
Variant type: single nucleotide variant.
Coding change: c.1364T>A on transcript NM_015450.3 (MANE Select); coding-DNA position 1364, T replaced by A.
Protein change: p.Ile455Lys; replaces isoleucine 455 with lysine.
Molecular consequence: missense variant. On other transcripts: non-coding transcript variant (3).
Genome position (GRCh38, 1-based): chr7:124,840,978, A>T on the plus strand (T>A on the coding strand, the complement: POT1 is on the minus strand). VCF-style: chr7-124840978-A-T. GRCh37 (hg19) VCF-style: chr7-124481032-A-T.
Other names: c.971T>A, p.Ile324Lys (NM_001042594.2); short protein forms I324K, I455K.
Identifiers: ClinVar variation 4842626 (VCV004842626.1).